The following is an entry in ClinVar:

NM_030930.4(UNC93B1):c.595C>A (p.Gln199Lys)

Gene: UNC93B1 (unc-93B1 regulator of TLR signaling; minus strand). Cytogenetic location: 11q13.2.
Variant type: single nucleotide variant.
Coding change: c.595C>A on transcript NM_030930.4 (MANE Select); coding-DNA position 595, C replaced by A.
Protein change: p.Gln199Lys; replaces glutamine 199 with lysine.
Molecular consequence: missense variant.
Genome position (GRCh38, 1-based): chr11:67,999,265, G>T on the plus strand (C>A on the coding strand, the complement: UNC93B1 is on the minus strand). VCF-style: chr11-67999265-G-T. GRCh37 (hg19) VCF-style: chr11-67766735-G-T.
Other names: short protein forms Q199K.
Identifiers: ClinVar variation 1994483 (VCV001994483.4), dbSNP rs775530389, ClinGen allele CA6145601.

ClinVar aggregate classification (germline): Uncertain significance (1 of 4 stars; one submission).

Conditions:
Encephalopathy, acute, infection-induced (herpes-specific), susceptibility to, 1. Also called: Herpes simplex encephalitis, susceptibility to, 1. Identifiers: Orphanet 1930, MedGen C2750180, MONDO:0024563, OMIM 610551.

Allele frequency attached by ClinVar (database versions not stated): ExAC 0.00001; gnomAD exomes 0.00001.

Submission:

Labcorp Genetics (formerly Invitae), Labcorp
Classification: Uncertain significance for Encephalopathy, acute, infection-induced (herpes-specific), susceptibility to, 1. Last evaluated: 2022-05-14. Review status: criteria provided, single submitter. Criteria: Invitae Variant Classification Sherloc (09022015). Collection method: clinical testing. Allele origin: germline.
Comment: In summary, the available evidence is currently insufficient to determine the role of this variant in disease. Therefore, it has been classified as a Variant of Uncertain Significance. Experimental studies and prediction algorithms are not available or were not evaluated, and the functional significance of this variant is currently unknown. This variant has not been reported in the literature in individuals affected with UNC93B1-related conditions. This variant is present in population databases (rs775530389, gnomAD 0.003%). This sequence change replaces glutamine, which is neutral and polar, with lysine, which is basic and polar, at codon 199 of the UNC93B1 protein (p.Gln199Lys).